The following is an entry in ClinVar:

NM_201596.3(CACNB2):c.1511C>T (p.Thr504Ile)

Gene: CACNB2 (calcium voltage-gated channel auxiliary subunit beta 2; plus strand). Cytogenetic location: 10p12.31.
Variant type: single nucleotide variant.
Coding change: c.1511C>T on transcript NM_201596.3 (MANE Select); coding-DNA position 1511, C replaced by T.
Protein change: p.Thr504Ile; replaces threonine 504 with isoleucine.
Molecular consequence: missense variant.
Genome position (GRCh38, 1-based): chr10:18,539,252, C>T. VCF-style: chr10-18539252-C-T. GRCh37 (hg19) VCF-style: chr10-18828181-C-T.
Other names: p.T449I:ACT>ATT; p.Thr450Ile; c.1346C>T, p.Thr449Ile (NM_000724.4); c.1313C>T, p.Thr438Ile (NM_001167945.2); c.1232C>T, p.Thr411Ile (NM_001330060.2); c.1367C>T, p.Thr456Ile (NM_201570.3); c.1427C>T, p.Thr476Ile (NM_201571.4); c.1355C>T, p.Thr452Ile (NM_201572.4); and 3 more; short protein forms T449I, T450I, T504I, T411I, T452I, T466I, T480I, T456I.
Identifiers: ClinVar variation 161212 (VCV000161212.56), dbSNP rs143326262, ClinGen allele CA235677.

ClinVar aggregate classification (germline): Conflicting classifications of pathogenicity. Review status: criteria provided, conflicting classifications (1 of 4 stars). 16 submissions from 16 submitters: Uncertain significance (1); Benign (2); Likely benign (9). 4 of the submissions do not count toward it. Last evaluated 2026-02-02.

Conditions:
CACNB2-related disorder. Also called: CACNB2-related condition.
Cardiovascular phenotype. Identifiers: MedGen CN230736.
Ventricular tachycardia. Identifiers: MedGen C0042514, MONDO:0005477, HP:0004756.
Long QT syndrome (LQTS). Identifiers: MedGen C0023976, MeSH D008133, MONDO:0002442. Disease mechanism: loss of function. Inheritance: Various modes of inheritance.
Brugada syndrome. Also called: Sudden unexplained nocturnal death syndrome; Sudden Unexplained Death Syndrome; Sudden Unexplained Nocturnal Death Syndrome (SUNDS); Sudden unexpected nocturnal death syndrome. Identifiers: Orphanet 130, MedGen C1142166, MONDO:0015263.
Brugada syndrome 4 (BRGDA4). Identifiers: Orphanet 130, MedGen C2678477, MONDO:0012743, OMIM 611876.

Allele frequency attached by ClinVar (database versions not stated): 1000 Genomes Project 30x 0.00031; 1000 Genomes Project 0.00040; ESP Exome Variant Server 0.00146; gnomAD exomes 0.00148 and 0.00291; ExAC 0.00158; gnomAD 0.00168 and 0.00181; TOPMed 0.00168.
gnomAD v4.1: 4,467 of 1,614,042 alleles (0.28%); highest among the groups gnomAD compares: Non-Finnish European, 0.35%; 13 homozygotes.

Submissions (16):

Labcorp Genetics (formerly Invitae), Labcorp
Classification: Likely benign for Brugada syndrome 4. Last evaluated: 2026-02-02. Review status: criteria provided, single submitter. Criteria: Invitae Variant Classification Sherloc (09022015). Collection method: clinical testing. Allele origin: germline.

Mayo Clinic Laboratories, Mayo Clinic
Classification: Likely benign. Last evaluated: 2025-03-19. Review status: criteria provided, single submitter. Criteria: ACMG Guidelines, 2015. Collection method: clinical testing. Allele origin: germline. Observed: 2 variant alleles.
Comment: BS1, BP4_moderate

CeGaT Center for Human Genetics Tuebingen
Classification: Likely benign. Last evaluated: 2025-02-01. Review status: criteria provided, single submitter. Criteria: CeGaT Center For Human Genetics Tuebingen Variant Classification Criteria Version 2. Collection method: clinical testing. Allele origin: germline. Affected: yes. Observed: 3 variant alleles.
Comment: CACNB2: BP4, BS2; ENSG00000240291: BS2

Blueprint Genetics
Classification: Likely benign. Last evaluated: 2024-11-06. Review status: criteria provided, single submitter. Criteria: ACMG Guidelines, 2015. Collection method: clinical testing. Allele origin: germline.

Dept of Medical Biology, Uskudar University
Classification: Benign for Long QT syndrome. Last evaluated: 2024-01-08. Review status: criteria provided, single submitter. Criteria: Dept of Medical Biology Variant Classification. Collection method: research. Allele origin: paternal. Affected: yes. Observed: 1 variant allele.
Comment: Criteria: BS1, BS2

GeneDx
Classification: Likely benign. Last evaluated: 2022-10-17. Review status: criteria provided, single submitter. Criteria: GeneDx Variant Classification Process June 2021. Collection method: clinical testing. Allele origin: germline. Affected: yes.
Comment: See Variant Classification Assertion Criteria.

Ambry Genetics
Classification: Likely benign for Cardiovascular phenotype. Last evaluated: 2019-02-11. Review status: criteria provided, single submitter. Criteria: Ambry Variant Classification Scheme 2023. Collection method: clinical testing. Allele origin: germline.

Center for Advanced Laboratory Medicine, UC San Diego Health, University of California San Diego
Classification: Likely benign for Ventricular tachycardia. Last evaluated: 2019-01-31. Review status: criteria provided, single submitter. Criteria: ACMG Guidelines, 2015. Collection method: clinical testing. Allele origin: germline. Affected: yes. Observed: 1 variant allele.

Women's Health and Genetics/Laboratory Corporation of America, LabCorp
Classification: Benign. Last evaluated: 2017-12-18. Review status: criteria provided, single submitter. Criteria: LabCorp Variant Classification Summary - May 2015. Collection method: clinical testing. Allele origin: germline.
Comment: Variant summary: The CACNB2 c.1349C>T (p.Thr450Ile) variant involves the alteration of a non-conserved nucleotide. 3/4 in silico tools predict a benign outcome for this variant (SNPsandGO not captured due to low reliability index). This variant was found in 449/289284 control chromosomes (1 homozygote), predominantly observed in the European (Non-Finnish) subpopulation at a frequency of 0.00279 (353/126520). This frequency is about 893 times the estimated maximal expected allele frequency of a pathogenic CACNB2 variant (0.0000031), suggesting this is likely a benign polymorphism found primarily in the populations of European (Non-Finnish) origin. Though this variant has been reported in 2 individuals in a single family with BrS in an early study (Burashnikov 2010), later population studies indicated that the variant is not associated with BrS specific ECG patterns (Risgaard 2013, Ghouse 2017) and one study reports non-segregation of the variant with disease in a family (Allegue_2015). In addition, multiple clinical diagnostic laboratories/reputable databases classified this variant as likely benign. Taken together, this variant is classified as benign.

Genome Diagnostics Laboratory, University Medical Center Utrecht
Classification: Likely benign for Brugada syndrome 4. Last evaluated: 2017-06-02. Review status: criteria provided, single submitter. Criteria: ACGS Guidelines, 2013. Collection method: clinical testing. Allele origin: germline. Affected: yes. Study: VKGL Data-share Consensus.

Laboratory for Molecular Medicine, Mass General Brigham Personalized Medicine
Classification: Uncertain significance. Last evaluated: 2016-03-29. Review status: criteria provided, single submitter. Criteria: LMM Criteria. Collection method: clinical testing. Allele origin: germline.
Comment: Variant identified in a genome or exome case(s) and assessed due to predicted null impact of the variant or pathogenic assertions in the literature or databases. Disclaimer: This variant has not undergone full assessment. The following are preliminary notes: Only 1 proband in HGMD, ExAC: 0.2% (159/66588) European chromosomes

Biesecker Lab/Clinical Genomics Section, National Institutes of Health
Classification: Likely benign. Last evaluated: 2013-06-24. Review status: criteria provided, single submitter. Criteria: Ng et al. (Circ Cardiovasc Genet. 2013). Collection method: research. Allele origin: unknown. Observed: 3 variant alleles. Study: ClinSeq.
Comment: The study set was not selected for affection status in relation to any cancer. Pathogenicity categories were based on literature curation. See Pubmed ID:23861362 for details.

Medical sequencing

PreventionGenetics, part of Exact Sciences
Classification: Likely benign for CACNB2-related condition. Last evaluated: 2024-05-02. Review status: no assertion criteria provided. Collection method: clinical testing. Allele origin: germline. Not counted in ClinVar's aggregate classification.
Comment: This variant is classified as likely benign based on ACMG/AMP sequence variant interpretation guidelines (Richards et al. 2015 PMID: 25741868, with internal and published modifications).

CSER _CC_NCGL, University of Washington
Classification: Uncertain significance for Brugada syndrome. Last evaluated: 2014-06-01. Review status: no assertion criteria provided. Collection method: research. Allele origin: germline. Inheritance: Autosomal dominant inheritance. Study: ESP 6500 variant annotation. Not counted in ClinVar's aggregate classification.
Comment: Variants classified for the Actionable exomic incidental findings in 6503 participants: challenges of variant classification manuscript

Clinical Genetics, Academic Medical Center
Classification: Benign. Review status: no assertion criteria provided. Collection method: clinical testing. Allele origin: germline. Affected: yes. Study: VKGL Data-share Consensus. Not counted in ClinVar's aggregate classification.

Joint Genome Diagnostic Labs from Nijmegen and Maastricht, Radboudumc and MUMC+
Classification: Benign. Review status: no assertion criteria provided. Collection method: clinical testing. Allele origin: germline. Affected: yes. Study: VKGL Data-share Consensus. Not counted in ClinVar's aggregate classification.

Literature cited by the submitters: PubMed 20817017 (cited by Ambry Genetics and Women's Health and Genetics/Laboratory Corporation of America, LabCorp); PubMed 23414114 (cited by Ambry Genetics and Women's Health and Genetics/Laboratory Corporation of America, LabCorp); PubMed 23861362 (cited by Ambry Genetics); PubMed 24055113 (cited by Ambry Genetics); PubMed 25637381 (cited by Ambry Genetics); PubMed 26230511 (cited by Women's Health and Genetics/Laboratory Corporation of America, LabCorp); PubMed 27711072 (cited by Women's Health and Genetics/Laboratory Corporation of America, LabCorp); PubMed 26636822 (cited by Women's Health and Genetics/Laboratory Corporation of America, LabCorp).